The following is an entry in ClinVar:

NM_014055.4(IFT81):c.109G>A (p.Val37Ile)

Gene: IFT81 (intraflagellar transport 81; plus strand). Cytogenetic location: 12q24.11.
Variant type: single nucleotide variant.
Coding change: c.109G>A on transcript NM_014055.4 (MANE Select); coding-DNA position 109, G replaced by A.
Protein change: p.Val37Ile; replaces valine 37 with isoleucine.
Molecular consequence: missense variant. On other transcripts: 5 prime UTR variant (2), non-coding transcript variant (4).
Genome position (GRCh38, 1-based): chr12:110,127,489, G>A. VCF-style: chr12-110127489-G-A. GRCh37 (hg19) VCF-style: chr12-110565294-G-A.
Other names: c.109G>A, p.Val37Ile (NM_001143779.2, NM_001347946.2, NM_031473.4); c.-658G>A (NM_001347947.2, NM_001347948.2); short protein forms V37I.
Identifiers: ClinVar variation 1380233 (VCV001380233.6), dbSNP rs2137290440, ClinGen allele CA386906569.
Genomic context (GRCh38, chr12:110,127,489, plus strand): 5'-TTTAGGAAGAACTATAATTTAATCACGTTTGATTCCTTGGAGCCAATGCAACTATTACAA[G>A]TTCTCAGTGATGTTCTGGCTGAGATTGACCCAAAGGTAAGAGTTTTCTCTTTCTTTTTGA-3'
Protein context (NP_054774.2, residues 27-47): DSLEPMQLLQ[Val37Ile]LSDVLAEIDP

ClinVar aggregate classification (germline): Uncertain significance (1 of 4 stars; one submission).

Submission:

Labcorp Genetics (formerly Invitae), Labcorp
Classification: Uncertain significance. Last evaluated: 2021-10-10. Review status: criteria provided, single submitter. Criteria: Invitae Variant Classification Sherloc (09022015). Collection method: clinical testing. Allele origin: germline.
Comment: In summary, the available evidence is currently insufficient to determine the role of this variant in disease. Therefore, it has been classified as a Variant of Uncertain Significance. Algorithms developed to predict the effect of missense changes on protein structure and function output the following: SIFT: "Tolerated"; PolyPhen-2: "Benign"; Align-GVGD: "Class C0". The isoleucine amino acid residue is found in multiple mammalian species, which suggests that this missense change does not adversely affect protein function. This variant has not been reported in the literature in individuals affected with IFT81-related conditions. This variant is not present in population databases (ExAC no frequency). This sequence change replaces valine with isoleucine at codon 37 of the IFT81 protein (p.Val37Ile). The valine residue is highly conserved and there is a small physicochemical difference between valine and isoleucine.